The following is an entry in ClinVar:

NM_182914.3(SYNE2):c.18862G>A (p.Gly6288Ser)

Gene: SYNE2 (spectrin repeat containing nuclear envelope protein 2; plus strand). Cytogenetic location: 14q23.2.
Variant type: single nucleotide variant.
Coding change: c.18862G>A on transcript NM_182914.3 (MANE Select); coding-DNA position 18862, G replaced by A.
Protein change: p.Gly6288Ser; replaces glycine 6288 with serine.
Molecular consequence: missense variant.
Genome position (GRCh38, 1-based): chr14:64,212,811, G>A. VCF-style: chr14-64212811-G-A. GRCh37 (hg19) VCF-style: chr14-64679529-G-A.
Other names: c.18862G>A, p.Gly6288Ser (NM_015180.6); short protein forms G6288S.
Identifiers: ClinVar variation 994810 (VCV000994810.4), dbSNP rs2098648256, ClinGen allele CA389953650.

ClinVar aggregate classification (germline): Uncertain significance. Review status: criteria provided, multiple submitters, no conflicts (2 of 4 stars). 3 submissions from 3 submitters: Uncertain significance (3). Last evaluated 2024-07-11.

Conditions:
SYNE2-related disorder. Also called: SYNE2-related condition.
Emery-Dreifuss muscular dystrophy 5, autosomal dominant (EDMD5). Also called: EMERY-DREIFUSS MUSCULAR DYSTROPHY 5. Identifiers: Orphanet 261, MedGen C2751805, MONDO:0013072, OMIM 612999.

Allele frequency attached by ClinVar (database versions not stated): TOPMed below 0.00001; gnomAD 0.00001.
gnomAD v4.1: 2 of 1,614,004 alleles (0.00012%); highest among the groups gnomAD compares: Non-Finnish European, 0.00017%; no homozygotes.

Submissions (3):

Revvity Omics, Revvity
Classification: Uncertain significance for Emery-Dreifuss muscular dystrophy 5, autosomal dominant. Last evaluated: 2024-07-11. Review status: criteria provided, single submitter. Criteria: ACMG Guidelines, 2015. Collection method: clinical testing. Allele origin: germline.

PreventionGenetics, part of Exact Sciences
Classification: Uncertain significance for SYNE2-related condition. Last evaluated: 2023-06-22. Review status: criteria provided, single submitter. Criteria: ACMG Guidelines, 2015. Collection method: clinical testing. Allele origin: germline.
Comment: The SYNE2 c.18862G>A variant is predicted to result in the amino acid substitution p.Gly6288Ser. To our knowledge, this variant has not been reported in the literature or in a large population database, indicating this variant is rare. At this time, the clinical significance of this variant is uncertain due to the absence of conclusive functional and genetic evidence.

Athena Diagnostics
Classification: Uncertain significance. Last evaluated: 2020-08-25. Review status: criteria provided, single submitter. Criteria: Athena Diagnostics criteria. Collection method: clinical testing. Allele origin: unknown.